The following is an entry in ClinVar:

ClinVar aggregate classification (germline): Uncertain significance (1 of 4 stars; one submission).

Allele frequency attached by ClinVar (database versions not stated): ExAC 0.00002; gnomAD 0.00002; gnomAD exomes 0.00003; TOPMed 0.00003.
gnomAD v4.1: 49 of 1,613,004 alleles (0.003%); highest among the groups gnomAD compares: East Asian, 0.0067%; no homozygotes.

Submission:

Labcorp Genetics (formerly Invitae), Labcorp
Classification: Uncertain significance. Last evaluated: 2024-06-23. Review status: criteria provided, single submitter. Criteria: Invitae Variant Classification Sherloc (09022015). Collection method: clinical testing. Allele origin: germline.
Comment: This sequence change replaces arginine, which is basic and polar, with histidine, which is basic and polar, at codon 735 of the IFT88 protein (p.Arg735His). This variant is present in population databases (rs78898843, gnomAD 0.005%). This variant has not been reported in the literature in individuals affected with IFT88-related conditions. Experimental studies and prediction algorithms are not available or were not evaluated, and the functional significance of this variant is currently unknown. In summary, the available evidence is currently insufficient to determine the role of this variant in disease. Therefore, it has been classified as a Variant of Uncertain Significance.

NM_006531.5(IFT88):c.2177G>A (p.Arg726His)

Gene: IFT88 (intraflagellar transport 88; plus strand). Cytogenetic location: 13q12.11.
Variant type: single nucleotide variant.
Coding change: c.2177G>A on transcript NM_006531.5 (MANE Select); coding-DNA position 2177, G replaced by A.
Protein change: p.Arg726His; replaces arginine 726 with histidine.
Molecular consequence: missense variant. On other transcripts: synonymous variant (1), non-coding transcript variant (5).
Genome position (GRCh38, 1-based): chr13:20,670,974, G>A. VCF-style: chr13-20670974-G-A. GRCh37 (hg19) VCF-style: chr13-21245113-G-A.
Other names: c.2204G>A, p.Arg735His (NM_001353566.2, NM_001353567.2, NM_175605.5 and 2 more transcripts); c.2177G>A, p.Arg726His (NM_001353568.2, NM_001353572.2); c.2102G>A, p.Arg701His (NM_001353569.2, NM_001353570.2, NM_001353576.2 and 1 more transcripts); c.2075G>A, p.Arg692His (NM_001353571.2, NM_001353578.2); c.2033G>A, p.Arg678His (NM_001353573.2); c.2018G>A, p.Arg673His (NM_001353574.2); c.2244G>A, p.Ala748= (NM_001353575.2); c.1544G>A, p.Arg515His (NM_001353579.2); and 1 more; short protein forms R678H, R707H, R515H, R735H, R692H, R701H, R726H, R673H.
Identifiers: ClinVar variation 2697091 (VCV002697091.3), dbSNP rs78898843, ClinGen allele CA6905698.